The following is an entry in ClinVar:

ClinVar aggregate classification (germline): Conflicting classifications of pathogenicity. Review status: criteria provided, conflicting classifications (1 of 4 stars). 3 submissions from 3 submitters: Likely pathogenic (2); Uncertain significance (1). Last evaluated 2025-06-08.

Conditions:
Muscular dystrophy-dystroglycanopathy (congenital without impaired intellectual development), type B, 4. Also called: Muscular dystrophy-dystroglycanopathy (congenital without intellectual disability), type B4; MUSCULAR DYSTROPHY, CONGENITAL, FKTN-RELATED. Identifiers: MedGen C2751052, MONDO:0013156, OMIM 613152.
Autosomal recessive limb-girdle muscular dystrophy type 2M. Also called: MUSCULAR DYSTROPHY-DYSTROGLYCANOPATHY (LIMB-GIRDLE), TYPE C, 4; MUSCULAR DYSTROPHY, LIMB-GIRDLE, TYPE 2M. Identifiers: Orphanet 206554, MedGen C1969040, MONDO:0012699, OMIM 611588.
Dilated cardiomyopathy 1X (CMD1X). Also called: FKTN-Related Dilated Cardiomyopathy; CARDIOMYOPATHY, DILATED, WITH MILD OR NO PROXIMAL MUSCLE WEAKNESS. Identifiers: Orphanet 154, MedGen C1969024, MONDO:0012704, OMIM 611615.
Muscular dystrophy-dystroglycanopathy (congenital with brain and eye anomalies), type A, 4 (MDDGA4). Also called: Muscular dystrophy, congenital progressive, with mental retardation; Muscular dystrophy, congenital, with central nervous system involvement; Cerebromuscular dystrophy, Fukuyama type; Fukuyama congenital muscular dystrophy; Walker-Warburg Syndrome, Fktn-Related; Congenital muscular dystrophy-dystroglycanopathy with brain and eye anomalies, type A4. Identifiers: Orphanet 272, Orphanet 588, Orphanet 899, MedGen C0410174, MONDO:0009678, OMIM 253800.
Walker-Warburg congenital muscular dystrophy. Also called: Muscular dystrophy-dystroglycanopathy, type A; Walker-Warburg syndrome. Identifiers: Orphanet 899, MedGen C0265221, MONDO:0000171.

Submissions (3):

Labcorp Genetics (formerly Invitae), Labcorp
Classification: Uncertain significance for Walker-Warburg congenital muscular dystrophy. Last evaluated: 2025-06-08. Review status: criteria provided, single submitter. Criteria: Invitae Variant Classification Sherloc (09022015). Collection method: clinical testing. Allele origin: germline.
Comment: This sequence change affects an acceptor splice site in intron 10 of the FKTN gene. While this variant is not anticipated to result in nonsense mediated decay, it likely alters RNA splicing and results in a disrupted protein product. This variant is not present in population databases (gnomAD no frequency). This variant has not been reported in the literature in individuals affected with FKTN-related conditions. ClinVar contains an entry for this variant (Variation ID: 3596217). Variants that disrupt the consensus splice site are a relatively common cause of aberrant splicing (PMID: 17576681, 9536098). Algorithms developed to predict the effect of sequence changes on RNA splicing suggest that this variant may disrupt the consensus splice site. In summary, the available evidence is currently insufficient to determine the role of this variant in disease. Therefore, it has been classified as a Variant of Uncertain Significance.

Natera, Inc.
Classification: Likely pathogenic for Walker-Warburg congenital muscular dystrophy. Last evaluated: 2024-07-18. Review status: criteria provided, single submitter. Criteria: Natera Variant Classification Schema (03/2026). Collection method: clinical testing. Allele origin: germline.
Comment: The c.1173-1G>T variant in FKTN is a canonical splice acceptor site variant predicted to affect pre-mRNA splicing, which may result in an abnormal transcript and altered protein product. This variant is expected to result in nonsense mediated decay, truncation, or a dysfunctional protein product. This variant is rare in the general population with a frequency below the threshold expected for the associated phenotype(s). Given the available evidence, this variant is classified as Likely Pathogenic.

Fulgent Genetics
Classification: Likely pathogenic for Muscular dystrophy-dystroglycanopathy (congenital with brain and eye anomalies), type A, 4; Autosomal recessive limb-girdle muscular dystrophy type 2M; Dilated cardiomyopathy 1X; Muscular dystrophy-dystroglycanopathy (congenital without impaired intellectual development), type B, 4. Last evaluated: 2024-01-20. Review status: criteria provided, single submitter. Criteria: ACMG Guidelines, 2015. Collection method: clinical testing. Allele origin: germline.

Literature cited by the submitters: PubMed 17576681 (cited by Labcorp Genetics (formerly Invitae), Labcorp); PubMed 9536098 (cited by Labcorp Genetics (formerly Invitae), Labcorp).

NM_001079802.2(FKTN):c.1173-1G>T

Gene: FKTN (fukutin; plus strand). Cytogenetic location: 9q31.2.
Variant type: single nucleotide variant.
Coding change: c.1173-1G>T on transcript NM_001079802.2 (MANE Select); the canonical splice acceptor site of the intron before coding-DNA position 1173, G replaced by T.
Molecular consequence: splice acceptor variant.
Genome position (GRCh38, 1-based): chr9:105,635,050, G>T. VCF-style: chr9-105635050-G-T. GRCh37 (hg19) VCF-style: chr9-108397331-G-T.
Other names: c.1173-1G>T (NM_006731.2, NM_001351496.2, NM_001198963.2 and 1 more transcripts); c.777-1G>T (NM_001351502.2, NM_001351499.2, NM_001351500.2 and 1 more transcripts); c.1104-1G>T (NM_001351497.2); c.1204-1G>T (NM_001351498.2).
Identifiers: ClinVar variation 3596217 (VCV003596217.3).